The following is an entry in ClinVar:

ClinVar aggregate classification (germline): Uncertain significance (1 of 4 stars; one submission).

gnomAD v4.1: 21 of 1,593,636 alleles (0.0013%); highest among the groups gnomAD compares: East Asian, 0.0045%; no homozygotes.

Submission:

Labcorp Genetics (formerly Invitae), Labcorp
Classification: Uncertain significance. Last evaluated: 2024-06-25. Review status: criteria provided, single submitter. Criteria: Invitae Variant Classification Sherloc (09022015). Collection method: clinical testing. Allele origin: germline.
Comment: This sequence change replaces arginine, which is basic and polar, with histidine, which is basic and polar, at codon 70 of the STAT4 protein (p.Arg70His). The frequency data for this variant in the population databases is considered unreliable, as metrics indicate poor data quality at this position in the gnomAD database. This variant has not been reported in the literature in individuals affected with STAT4-related conditions. Advanced modeling of protein sequence and biophysical properties (such as structural, functional, and spatial information, amino acid conservation, physicochemical variation, residue mobility, and thermodynamic stability) performed at Invitae indicates that this missense variant is not expected to disrupt STAT4 protein function with a negative predictive value of 80%. In summary, the available evidence is currently insufficient to determine the role of this variant in disease. Therefore, it has been classified as a Variant of Uncertain Significance.

NM_003151.4(STAT4):c.209G>A (p.Arg70His)

Gene: STAT4 (signal transducer and activator of transcription 4; minus strand). Cytogenetic location: 2q32.3.
Variant type: single nucleotide variant.
Coding change: c.209G>A on transcript NM_003151.4 (MANE Select); coding-DNA position 209, G replaced by A.
Protein change: p.Arg70His; replaces arginine 70 with histidine.
Molecular consequence: missense variant.
Genome position (GRCh38, 1-based): chr2:191,146,677, C>T on the plus strand (G>A on the coding strand, the complement: STAT4 is on the minus strand). VCF-style: chr2-191146677-C-T. GRCh37 (hg19) VCF-style: chr2-192011403-C-T.
Other names: c.209G>A, p.Arg70His (NM_001243835.2); short protein forms R70H.
Identifiers: ClinVar variation 3615753 (VCV003615753.2).
Genomic context (GRCh38, chr2:191,146,677, plus strand): 5'-AGGACCTTCCTAATTCTTTTTAGATTGTGTATCAAGAGTAGGTTTTTCTCTTTGGAAACA[C>T]GACCTAACTGTTCATCCAGTTGTATTAACAAGTTTTGAAGAAGAATCGTTGCCATGGTTT-3'
Protein context (NP_003142.1, residues 60-80): LLIQLDEQLG[Arg70His]VSKEKNLLLI